The following is an entry in ClinVar:

ClinVar aggregate classification (germline): Conflicting classifications of pathogenicity. Review status: criteria provided, conflicting classifications (1 of 4 stars). 4 submissions from 4 submitters: Pathogenic (1); Uncertain significance (1). 2 of the submissions do not count toward it. Last evaluated 2025-08-14.

Conditions:
Scoliosis. Identifiers: MedGen C0036439, MONDO:0005392, HP:0002650.
TBX6-related disorder. Also called: TBX6-related condition.
Spondylocostal dysostosis 5 (SCDO5). Also called: SCOLIOSIS, CONGENITAL, WITH OR WITHOUT RIB ANOMALIES. Identifiers: MedGen C4083048, MONDO:0007389, OMIM 122600.

Allele frequency attached by ClinVar (database versions not stated): ExAC 0.00003; gnomAD exomes 0.00005 and 0.00011; TOPMed 0.00006; gnomAD 0.00007.

Submissions (4):

Labcorp Genetics (formerly Invitae), Labcorp
Classification: Uncertain significance. Last evaluated: 2025-08-14. Review status: criteria provided, single submitter. Criteria: Invitae Variant Classification Sherloc (09022015). Collection method: clinical testing. Allele origin: germline.
Comment: This sequence change replaces arginine, which is basic and polar, with histidine, which is basic and polar, at codon 119 of the TBX6 protein (p.Arg119His). This variant is present in population databases (rs200175825, gnomAD 0.01%). This missense change has been observed in individual(s) with clinical features of TBX6-related conditions (PMID: 25564734, 31015262, 31471994, 36112137). ClinVar contains an entry for this variant (Variation ID: 694403). An algorithm developed to predict the effect of missense changes on protein structure and function (PolyPhen-2) suggests that this variant is likely to be disruptive. Experimental studies have shown that this missense change affects TBX6 function (PMID: 36112137). In summary, the available evidence is currently insufficient to determine the role of this variant in disease. Therefore, it has been classified as a Variant of Uncertain Significance.

Beijing Key Laboratory for Genetic Research of Skeletal Deformity, Peking Union Medical College Hospital
Classification: Pathogenic for scoliosis. Last evaluated: 2019-08-01. Review status: criteria provided, single submitter. Criteria: ACMG Guidelines, 2015. Collection method: research. Allele origin: germline. Affected: yes. Observed: 2 variant alleles.
Comment: This variant in trans with hypomorphic TBX6 allele contributes to congenital scoliosis development

PreventionGenetics, part of Exact Sciences
Classification: Uncertain significance for TBX6-related condition. Last evaluated: 2024-02-16. Review status: no assertion criteria provided. Collection method: clinical testing. Allele origin: germline. Not counted in ClinVar's aggregate classification.
Comment: The TBX6 c.356G>A variant is predicted to result in the amino acid substitution p.Arg119His. This variant has been reported in the heterozygous state in two patients with congenital scoliosis (Table S1, Wu et al. 2015. PubMed ID: 25564734; Takeda et al. 2017. PubMed ID: 28054739; Chen et al. 2019. PubMed ID: 31471994). This variant in the compound heterozygous condition along with another missense variant in the TBX6 gene was reported in another patient with spondylocostal dysostosis (Otomo et al. 2019. PubMed ID: 31015262). This variant is reported in 0.010% of alleles in individuals of European (Non-Finnish) descent in gnomAD. Although we suspect that this variant may be pathogenic, at this time, the clinical significance of this variant is uncertain due to the absence of conclusive functional and genetic evidence.

Bioscientia Institut fuer Medizinische Diagnostik GmbH, Sonic Healthcare
Classification: Likely pathogenic for Spondylocostal dysostosis 5. Last evaluated: 2020-06-17. Review status: no assertion criteria provided. Collection method: clinical testing. Allele origin: germline. Affected: yes. Not counted in ClinVar's aggregate classification.

Literature cited by the submitters: PubMed 25564734 (cited by Labcorp Genetics (formerly Invitae), Labcorp and Beijing Key Laboratory for Genetic Research of Skeletal Deformity, Peking Union Medical College Hospital); PubMed 31015262 (cited by Labcorp Genetics (formerly Invitae), Labcorp); PubMed 31471994 (cited by Labcorp Genetics (formerly Invitae), Labcorp); PubMed 36112137 (cited by Labcorp Genetics (formerly Invitae), Labcorp).

NM_004608.4(TBX6):c.356G>A (p.Arg119His)

Gene: TBX6 (T-box transcription factor 6; minus strand). Cytogenetic location: 16p11.2.
Variant type: single nucleotide variant.
Coding change: c.356G>A on transcript NM_004608.4 (MANE Select); coding-DNA position 356, G replaced by A.
Protein change: p.Arg119His; replaces arginine 119 with histidine.
Molecular consequence: missense variant.
Genome position (GRCh38, 1-based): chr16:30,089,208, C>T on the plus strand (G>A on the coding strand, the complement: TBX6 is on the minus strand). VCF-style: chr16-30089208-C-T. GRCh37 (hg19) VCF-style: chr16-30100529-C-T.
Other names: short protein forms R119H.
Identifiers: ClinVar variation 694403 (VCV000694403.10), dbSNP rs200175825, ClinGen allele CA8001937.
Genomic context (GRCh38, chr16:30,089,208, plus strand): 5'-AACAAGTAGCGGGCCTCGGGGTCCAGGCCAGTGACTGACACTCGGCAGGCAGGGAACATG[C>T]GCCTGTGCAAGGGAGGGGACAGGAGAGGCCTGGAGCTACCCACTGGCCAGGGGTGGGCCC-3'
Protein context (NP_004599.2, residues 109-129): TEMIITKAGR[Arg119His]MFPACRVSVT